The following is an entry in ClinVar:

ClinVar aggregate classification (germline): Likely pathogenic (3 of 4 stars; one submission).

Conditions:
Monogenic diabetes. Identifiers: Orphanet 183625, MedGen C3888631, MONDO:0015967.

Submission:

ClinGen Monogenic Diabetes Variant Curation Expert Panel
Classification: Likely pathogenic for Monogenic diabetes. Last evaluated: 2025-06-09. Review status: reviewed by expert panel. Criteria: ClinGen Diabetes ACMG Specifications HNF1A V2.1.0. Collection method: curation. Allele origin: germline. Inheritance: Autosomal dominant inheritance.
Comment: The c.282dup variant in the HNF1 homeobox A gene, HNF1A, results in a premature termination at codon 95 (p.(Glu95Ter)) of NM_000545.8. This variant, located in biologically-relevant exon 1 of 10, is predicted to lead to nonsense mediated decay in a gene in which loss-of-function is an established disease mechanism (PVS1; PMID: 23348805). Additionally, this variant is absent from gnomAD v2.1.1 and v4.1.0 (PM2_Supporting). This variant was identified in two unrelated individuals with non-autoimmune and non-absolute/near-absolute insulin-deficient diabetes; however, PS4_Moderate cannot be applied because this number is below the ClinGen MDEP threshold (internal lab contributors). This variant was identified in an individual with a clinical history suggestive of HNF1A-MODY (MODY probability calculator result >50%); however, HNF4A was not tested (internal lab contributors); therefore, PP4 cannot be applied. In summary, c.282dup meets the criteria to be classified as likely pathogenic for monogenic diabetes. ACMG/AMP criteria applied, as specified by the ClinGen MDEP (specification version 2.1.0, approved 8/11/23): PVS1, PM2_Supporting.

Literature cited by the submitters: PubMed 23348805.

NM_000545.8(HNF1A):c.282dup (p.Glu95Ter)

Gene: HNF1A (HNF1 homeobox A; plus strand). Cytogenetic location: 12q24.31.
Variant type: Duplication.
Coding change: c.282dup on transcript NM_000545.8 (MANE Select); coding-DNA position 282, one base duplicated (T; older notation c.282dupT).
Protein change: p.Glu95Ter; replaces glutamic acid 95 with a stop codon.
Molecular consequence: nonsense.
Genome position (GRCh38, 1-based): chr12:120,979,050, T duplicated. VCF-style (leftmost placement, unchanged base first): chr12-120979049-C-CT. GRCh37 (hg19) VCF-style: chr12-121416852-C-CT.
Other names: NM_001306179.2:c.282dup; c.282dup, p.Glu95Ter (NM_001306179.2); short protein forms E95*.
Identifiers: ClinVar variation 1676696 (VCV001676696.4), dbSNP rs2135820267, ClinGen allele CA2573051039.